The following is an entry in ClinVar:

ClinVar aggregate classification (germline): Benign/Likely benign. Review status: criteria provided, multiple submitters, no conflicts (2 of 4 stars). 3 submissions from 3 submitters: Benign (1); Likely benign (2). Last evaluated 2024-09-13.

Conditions:
Hereditary cancer-predisposing syndrome. Also called: Tumor predisposition; Neoplastic Syndromes, Hereditary; Hereditary Cancer Syndrome; Hereditary neoplastic syndrome. Identifiers: Orphanet 140162, MedGen C0027672, MeSH D009386, MONDO:0015356.
Hereditary diffuse gastric adenocarcinoma (HDGC). Also called: DIFFUSE GASTRIC AND LOBULAR BREAST CANCER SYNDROME. Identifiers: Orphanet 26106, MedGen C1708349, MONDO:0007648, OMIM 137215.

Allele frequency attached by ClinVar (database versions not stated): gnomAD exomes below 0.00001; ExAC 0.00001.
gnomAD v4.1: 2 of 1,614,180 alleles (0.00012%); highest among the groups gnomAD compares: South Asian, 0.0022%; no homozygotes.

Submissions (3):

Myriad Genetics, Inc.
Classification: Benign for Hereditary diffuse gastric adenocarcinoma. Last evaluated: 2024-09-13. Review status: criteria provided, single submitter. Criteria: Myriad Autosomal Dominant, Autosomal Recessive and X-Linked Classification Criteria (2023). Collection method: clinical testing. Allele origin: unknown.
Comment: This variant is considered benign. This variant is a silent/synonymous amino acid change and it is not expected to impact splicing.

Labcorp Genetics (formerly Invitae), Labcorp
Classification: Likely benign for Hereditary diffuse gastric adenocarcinoma. Last evaluated: 2021-09-09. Review status: criteria provided, single submitter. Criteria: Invitae Variant Classification Sherloc (09022015). Collection method: clinical testing. Allele origin: germline.

Ambry Genetics
Classification: Likely benign for Hereditary cancer-predisposing syndrome. Last evaluated: 2018-12-11. Review status: criteria provided, single submitter. Criteria: Ambry Variant Classification Scheme 2023. Collection method: clinical testing. Allele origin: germline.

NM_004360.5(CDH1):c.483C>A (p.Ile161=)

Gene: CDH1 (cadherin 1; plus strand). Cytogenetic location: 16q22.1.
Variant type: single nucleotide variant.
Coding change: c.483C>A on transcript NM_004360.5 (MANE Select); coding-DNA position 483, C replaced by A.
Protein change: p.Ile161=; no amino-acid change (isoleucine 161 retained).
Molecular consequence: synonymous variant. On other transcripts: 5 prime UTR variant (2).
Genome position (GRCh38, 1-based): chr16:68,808,519, C>A. VCF-style: chr16-68808519-C-A. GRCh37 (hg19) VCF-style: chr16-68842422-C-A.
Other names: c.483C>A (LRG_301t1); c.483C>A, p.Ile161= (NM_001317184.2); c.-1133C>A (NM_001317185.2); c.-1337C>A (NM_001317186.2).
Identifiers: ClinVar variation 414044 (VCV000414044.15), dbSNP rs779445240, ClinGen allele CA8129868.